The following is an entry in ClinVar:

NM_004612.4(TGFBR1):c.805+39A>G

Gene: TGFBR1 (transforming growth factor beta receptor 1; plus strand). Cytogenetic location: 9q22.33.
Variant type: single nucleotide variant.
Coding change: c.805+39A>G on transcript NM_004612.4 (MANE Select); 39 bases into the intron after coding-DNA position 805, A replaced by G.
Molecular consequence: intron variant.
Genome position (GRCh38, 1-based): chr9:99,138,128, A>G. VCF-style: chr9-99138128-A-G. GRCh37 (hg19) VCF-style: chr9-101900410-A-G.
Other names: c.817+39A>G (NM_001306210.2); c.574+39A>G (NM_001130916.3); c.805+39A>G (NM_004612.3).
Identifiers: ClinVar variation 259453 (VCV000259453.17), dbSNP rs11568778, ClinGen allele CA042984.

ClinVar aggregate classification (germline): Benign. Review status: criteria provided, multiple submitters, no conflicts (2 of 4 stars). 6 submissions from 6 submitters: Benign (6). Last evaluated 2024-01-24.

Conditions:
Multiple self-healing squamous epithelioma (MSSE). Also called: MULTIPLE SELF-HEALING SQUAMOUS EPITHELIOMA, SUSCEPTIBILITY TO. Identifiers: Orphanet 65748, MedGen C0546476, MONDO:0007566, OMIM 132800.

Allele frequency attached by ClinVar (database versions not stated): gnomAD exomes 0.02517 and 0.06647; 1000 Genomes Project 30x 0.11477; gnomAD 0.02404 and 0.03216; ExAC 0.06172; 1000 Genomes Project 0.12560; ESP Exome Variant Server 0.00315; TOPMed 0.03753.
gnomAD v4.1: 40,648 of 1,549,336 alleles (2.6%); highest among the groups gnomAD compares: East Asian, 41%; 5,054 homozygotes.

Submissions (6):

Unidad de Genómica Garrahan, Hospital de Pediatría Garrahan
Classification: Benign. Last evaluated: 2024-01-24. Review status: criteria provided, single submitter. Criteria: ACMG Guidelines, 2015. Collection method: clinical testing. Allele origin: germline. Affected: no. Observed: 18 variant alleles.
Comment: This variant is classified as Benign based on local population frequency. This variant was detected in 20% of patients studied by a panel of primary immunodeficiencies. Number of patients: 18. Only high quality variants are reported.

KCCC/NGS Laboratory, Kuwait Cancer Control Center
Classification: Benign for Multiple self-healing squamous epithelioma. Last evaluated: 2023-07-07. Review status: criteria provided, single submitter. Criteria: ACMG Guidelines, 2015. Collection method: clinical testing. Allele origin: germline. Affected: yes.

ARUP Laboratories, Molecular Genetics and Genomics, ARUP Laboratories
Classification: Benign. Last evaluated: 2018-07-10. Review status: criteria provided, single submitter. Criteria: ARUP Molecular Germline Variant Investigation Process. Collection method: clinical testing. Allele origin: germline.

GeneDx
Classification: Benign. Last evaluated: 2018-06-26. Review status: criteria provided, single submitter. Criteria: GeneDx Variant Classification Process June 2021. Collection method: clinical testing. Allele origin: germline. Affected: yes.

Breakthrough Genomics
Classification: Benign. Review status: criteria provided, single submitter. Criteria: ACMG Guidelines, 2015. Collection method: not provided. Allele origin: germline. Inheritance: Autosomal dominant inheritance. Affected: yes.

PreventionGenetics, part of Exact Sciences
Classification: Benign. Review status: criteria provided, single submitter. Criteria: ACMG Guidelines, 2015. Collection method: clinical testing. Allele origin: germline.